The following is an entry in ClinVar:

ClinVar aggregate classification (germline): Benign/Likely benign. Review status: criteria provided, multiple submitters, no conflicts (2 of 4 stars). 2 submissions from 2 submitters: Benign (1); Likely benign (1). Last evaluated 2026-07-01.

Conditions:
Sessile serrated polyposis cancer syndrome (SSPCS). Identifiers: Orphanet 157798, MedGen C4310714, MONDO:0014919, OMIM 617108.

Submissions (2):

Myriad Genetics, Inc.
Classification: Benign for Sessile serrated polyposis cancer syndrome. Last evaluated: 2026-07-01. Review status: criteria provided, single submitter. Criteria: Myriad Autosomal Dominant, Autosomal Recessive and X-Linked Classification Criteria (2023). Collection method: clinical testing. Allele origin: unknown.
Comment: This variant is considered benign. This variant is a silent/synonymous amino acid change and it is not expected to impact splicing.

Ambry Genetics
Classification: Likely benign. Last evaluated: 2024-12-08. Review status: criteria provided, single submitter. Criteria: Ambry Variant Classification Scheme 2023. Collection method: clinical testing. Allele origin: germline.

NM_017763.6(RNF43):c.990A>G (p.Arg330=)

Gene: RNF43 (ring finger protein 43; minus strand). Cytogenetic location: 17q22.
Variant type: single nucleotide variant.
Coding change: c.990A>G on transcript NM_017763.6 (MANE Select); coding-DNA position 990, A replaced by G.
Protein change: p.Arg330=; no amino-acid change (arginine 330 retained).
Molecular consequence: synonymous variant.
Genome position (GRCh38, 1-based): chr17:58,358,786, T>C on the plus strand (A>G on the coding strand, the complement: RNF43 is on the minus strand). VCF-style: chr17-58358786-T-C. GRCh37 (hg19) VCF-style: chr17-56436147-T-C.
Other names: c.990A>G, p.Arg330= (NM_001305544.3); c.609A>G, p.Arg203= (NM_001305545.2).
Identifiers: ClinVar variation 3434548 (VCV003434548.2).